The following is an entry in ClinVar:

NM_020774.4(MIB1):c.2100T>G (p.Asp700Glu)

Gene: MIB1 (MIB E3 ubiquitin protein ligase 1; plus strand). Cytogenetic location: 18q11.2.
Variant type: single nucleotide variant.
Coding change: c.2100T>G on transcript NM_020774.4 (MANE Select); coding-DNA position 2100, T replaced by G.
Protein change: p.Asp700Glu; replaces aspartic acid 700 with glutamic acid.
Molecular consequence: missense variant.
Genome position (GRCh38, 1-based): chr18:21,844,142, T>G. VCF-style: chr18-21844142-T-G. GRCh37 (hg19) VCF-style: chr18-19424103-T-G.
Other names: short protein forms D700E.
Identifiers: ClinVar variation 3227413 (VCV003227413.3), dbSNP rs745376433, ClinGen allele CA8908531.

ClinVar aggregate classification (germline): Uncertain significance. Review status: criteria provided, single submitter (1 of 4 stars). 2 submissions from 2 submitters: Uncertain significance (1). 1 of the submissions does not count toward it. Last evaluated 2025-04-30.

Conditions:
Inborn genetic diseases. Identifiers: MedGen C0950123, MeSH D030342.
MIB1-related disorder. Also called: MIB1-related condition.

Allele frequency attached by ClinVar (database versions not stated): gnomAD 0.00001; ExAC 0.00001.
gnomAD v4.1: 11 of 1,613,930 alleles (0.00068%); highest among the groups gnomAD compares: East Asian, 0.018%; no homozygotes.

Submissions (2):

Ambry Genetics
Classification: Uncertain significance for Inborn genetic diseases. Last evaluated: 2025-04-30. Review status: criteria provided, single submitter. Criteria: Ambry Variant Classification Scheme 2023. Collection method: clinical testing. Allele origin: germline.

PreventionGenetics, part of Exact Sciences
Classification: Uncertain significance for MIB1-related condition. Last evaluated: 2024-04-18. Review status: no assertion criteria provided. Collection method: clinical testing. Allele origin: germline. Not counted in ClinVar's aggregate classification.
Comment: The MIB1 c.2100T>G variant is predicted to result in the amino acid substitution p.Asp700Glu. To our knowledge, this variant has not been reported in the literature. This variant is reported in 0.011% of alleles in individuals of East Asian descent in gnomAD. At this time, the clinical significance of this variant is uncertain due to the absence of conclusive functional and genetic evidence.